The following is an entry in ClinVar:

NC_012920.1(MT-CO1):m.7272G>A

Gene: MT-CO1 (mitochondrially encoded cytochrome c oxidase I; plus strand).
Variant type: single nucleotide variant.
Genome position: chrM-7272-G-A.
Identifiers: ClinVar variation 692725 (VCV000692725.1), dbSNP rs28415137, ClinGen allele CA337097590.

ClinVar aggregate classification (germline): Uncertain significance (1 of 4 stars; one submission).

Conditions:
Leigh syndrome (NULS). Also called: Leigh's necrotizing encephalopathy; Leigh's disease; Leigh Syndrome (mtDNA deletion); Leigh Disease; Subacute necrotizing encephalopathy; Necrotizing encephalopathy infantile subacute of Leigh. Identifiers: Orphanet 506, MedGen C2931891, MONDO:0009723, OMIM 256000.

Submission:

Wong Mito Lab, Molecular and Human Genetics, Baylor College of Medicine
Classification: Uncertain significance for Leigh syndrome. Last evaluated: 2019-10-17. Review status: criteria provided, single submitter. Criteria: Modified ACMG Guidelines (Unpublished). Collection method: clinical testing. Allele origin: germline.
Comment: The NC_012920.1:m.7272G>A (YP_003024028.1:p.Gly457Ser) variant in MTCO1 gene is interpretated to be a Uncertain Significance variant based on the modified ACMG guidelines (unpublished). This variant meets the following evidence codes: PP3, PP6, PP7